The following is an entry in ClinVar:

ClinVar aggregate classification (germline): Likely benign. Review status: criteria provided, multiple submitters, no conflicts (2 of 4 stars). 2 submissions from 2 submitters: Likely benign (2). Last evaluated 2026-03-01.

Allele frequency attached by ClinVar (database versions not stated): 1000 Genomes Project 30x 0.00031; 1000 Genomes Project 0.00040; ExAC 0.00043; ESP Exome Variant Server 0.00044.
gnomAD v4.1: 1,119 of 1,551,774 alleles (0.072%); highest among the groups gnomAD compares: Non-Finnish European, 0.084%; 1 homozygote.

Submissions (2):

CeGaT Center for Human Genetics Tuebingen
Classification: Likely benign. Last evaluated: 2026-03-01. Review status: criteria provided, single submitter. Criteria: CeGaT Center For Human Genetics Tuebingen Variant Classification Criteria Version 2. Collection method: clinical testing. Allele origin: germline. Affected: yes. Observed: 4 variant alleles.
Comment: TENM4: BP4, BS1

Blueprint Genetics
Classification: Likely benign. Last evaluated: 2024-10-03. Review status: criteria provided, single submitter. Criteria: ACMG Guidelines, 2015. Collection method: clinical testing. Allele origin: germline.

NM_001098816.3(TENM4):c.1929G>A (p.Thr643=)

Gene: TENM4 (teneurin transmembrane protein 4; minus strand). Cytogenetic location: 11q14.1.
Variant type: single nucleotide variant.
Coding change: c.1929G>A on transcript NM_001098816.3 (MANE Select); coding-DNA position 1929, G replaced by A.
Protein change: p.Thr643=; no amino-acid change (threonine 643 retained).
Molecular consequence: synonymous variant.
Genome position (GRCh38, 1-based): chr11:78,812,171, C>T on the plus strand (G>A on the coding strand, the complement: TENM4 is on the minus strand). VCF-style: chr11-78812171-C-T. GRCh37 (hg19) VCF-style: chr11-78523216-C-T.
Identifiers: ClinVar variation 2642228 (VCV002642228.25), dbSNP rs184928531, ClinGen allele CA6207487.